The following is an entry in ClinVar:

ClinVar aggregate classification (germline): Uncertain significance (1 of 4 stars; one submission).

Conditions:
Ullrich congenital muscular dystrophy 2 (UCMD2). Identifiers: Orphanet 75840, MedGen C4225314, MONDO:0014654, OMIM 616470.
Bethlem myopathy 2 (BTHLM2). Identifiers: Orphanet 536516, Orphanet 610, MedGen C4225313, MONDO:0034022, OMIM 616471.

Submission:

Labcorp Genetics (formerly Invitae), Labcorp
Classification: Uncertain significance for Bethlem myopathy 2; Ullrich congenital muscular dystrophy 2. Last evaluated: 2024-03-11. Review status: criteria provided, single submitter. Criteria: Invitae Variant Classification Sherloc (09022015). Collection method: clinical testing. Allele origin: germline.
Comment: This sequence change replaces alanine, which is neutral and non-polar, with serine, which is neutral and polar, at codon 1149 of the COL12A1 protein (p.Ala1149Ser). This variant is not present in population databases (gnomAD no frequency). This variant has not been reported in the literature in individuals affected with COL12A1-related conditions. ClinVar contains an entry for this variant (Variation ID: 1956761). An algorithm developed to predict the effect of missense changes on protein structure and function (PolyPhen-2) suggests that this variant is likely to be tolerated. In summary, the available evidence is currently insufficient to determine the role of this variant in disease. Therefore, it has been classified as a Variant of Uncertain Significance.

NM_004370.6(COL12A1):c.3445G>T (p.Ala1149Ser)

Gene: COL12A1 (collagen type XII alpha 1 chain; minus strand). Cytogenetic location: 6q13.
Variant type: single nucleotide variant.
Coding change: c.3445G>T on transcript NM_004370.6 (MANE Select); coding-DNA position 3445, G replaced by T.
Protein change: p.Ala1149Ser; replaces alanine 1149 with serine.
Molecular consequence: missense variant. On other transcripts: intron variant (1).
Genome position (GRCh38, 1-based): chr6:75,154,536, C>A on the plus strand (G>T on the coding strand, the complement: COL12A1 is on the minus strand). VCF-style: chr6-75154536-C-A. GRCh37 (hg19) VCF-style: chr6-75864252-C-A.
Other names: c.74-2054G>T (NM_080645.3); short protein forms A1149S.
Identifiers: ClinVar variation 1956761 (VCV001956761.5), dbSNP rs2533413517, ClinGen allele CA364751498.